The following is an entry in ClinVar:

ClinVar aggregate classification (germline): Pathogenic. Review status: criteria provided, multiple submitters, no conflicts (2 of 4 stars). 2 submissions from 2 submitters: Pathogenic (2). Last evaluated 2025-11-24.

Conditions:
Coloboma of optic nerve. Also called: Congenital coloboma of the optic nerve; Coloboma of optic nerve (disease); OPTIC NERVE HEAD PITS, BILATERAL CONGENITAL. Identifiers: Orphanet 35737, Orphanet 98947, MedGen C0155299, MONDO:0007354, OMIM 120430, HP:0000588.
Hereditary antithrombin deficiency (AT3D). Also called: Reduced antithrombin III activity; Antithrombin deficiency; Antithrombin III deficiency; Thrombophilia due to antithrombin III deficiency. Identifiers: Orphanet 82, MedGen C0272375, MONDO:0013144, OMIM 613118, HP:0001976.

gnomAD v4.1: 1 of 1,611,570 alleles (0.000062%); no homozygotes.

Submissions (2):

Keimyung University Dongsan Hospital, Keimyung University School of Medicine
Classification: Pathogenic for Coloboma of optic nerve. Last evaluated: 2025-11-24. Review status: criteria provided, single submitter. Criteria: ACMG Guidelines, 2015. Collection method: clinical testing. Allele origin: germline. Inheritance: Autosomal dominant inheritance. Affected: yes. Observed: 1 heterozygote.
Comment: The heterozygous canonical splice-site variant c.409-1G>T in SERPINC1 is predicted to result in loss of function, the established disease mechanism of antithrombin deficiency. The variant is absent from population databases (gnomAD, KRGDB). Classified as Pathogenic based on ACMG/AMP criteria: PVS1, PM2, PP4.

Labcorp Genetics (formerly Invitae), Labcorp
Classification: Pathogenic for Hereditary antithrombin deficiency. Last evaluated: 2022-12-26. Review status: criteria provided, single submitter. Criteria: Invitae Variant Classification Sherloc (09022015). Collection method: clinical testing. Allele origin: germline.
Comment: Algorithms developed to predict the effect of sequence changes on RNA splicing suggest that this variant may disrupt the consensus splice site. For these reasons, this variant has been classified as Pathogenic. This variant is also known as IVS2-1G>T. Disruption of this splice site has been observed in individual(s) with autosomal dominant antithrombin III deficiency (PMID: 15164384, 30046692). This variant is not present in population databases (gnomAD no frequency). This sequence change affects an acceptor splice site in intron 2 of the SERPINC1 gene. It is expected to disrupt RNA splicing. Variants that disrupt the donor or acceptor splice site typically lead to a loss of protein function (PMID: 16199547), and loss-of-function variants in SERPINC1 are known to be pathogenic (PMID: 21264449).

Literature cited by the submitters: PubMed 36119085 (cited by Keimyung University Dongsan Hospital, Keimyung University School of Medicine); PubMed 15164384 (cited by Labcorp Genetics (formerly Invitae), Labcorp); PubMed 30046692 (cited by Labcorp Genetics (formerly Invitae), Labcorp); PubMed 16199547 (cited by Labcorp Genetics (formerly Invitae), Labcorp); PubMed 21264449 (cited by Labcorp Genetics (formerly Invitae), Labcorp).

NM_000488.4(SERPINC1):c.409-1G>T

Gene: SERPINC1 (serpin family C member 1; minus strand). Cytogenetic location: 1q25.1.
Variant type: single nucleotide variant.
Coding change: c.409-1G>T on transcript NM_000488.4 (MANE Select); the canonical splice acceptor site of the intron before coding-DNA position 409, G replaced by T.
Molecular consequence: splice acceptor variant. On other transcripts: intron variant (1).
Genome position (GRCh38, 1-based): chr1:173,912,015, C>A on the plus strand (G>T on the coding strand, the complement: SERPINC1 is on the minus strand). VCF-style: chr1-173912015-C-A. GRCh37 (hg19) VCF-style: chr1-173881153-C-A.
Other names: c.490-1G>T (NM_001386303.1); c.409-1124G>T (NM_001386306.1); c.409-1G>T (NM_001386304.1, NM_001386305.1, NM_001386302.1); c.265-1G>T (NM_001365052.2).
Identifiers: ClinVar variation 2734044 (VCV002734044.3), dbSNP rs2526582621, ClinGen allele CA343776886.